The following is an entry in ClinVar:

NM_006767.4(LZTR1):c.35G>A (p.Gly12Glu)

Genes: LZTR1 (leucine zipper like post translational regulator 1; plus strand), LOC130067016 (ATAC-STARR-seq lymphoblastoid silent region 13504; plus strand). Cytogenetic location: 22q11.21.
Variant type: single nucleotide variant.
Coding change: c.35G>A on transcript NM_006767.4 (MANE Select); coding-DNA position 35, G replaced by A.
Protein change: p.Gly12Glu; replaces glycine 12 with glutamic acid.
Molecular consequence: missense variant.
Genome position (GRCh38, 1-based): chr22:20,982,406, G>A. VCF-style: chr22-20982406-G-A. GRCh37 (hg19) VCF-style: chr22-21336695-G-A.
Other names: short protein forms G12E.
Identifiers: ClinVar variation 1733073 (VCV001733073.3), dbSNP rs2518607646, ClinGen allele CA410777495.

ClinVar aggregate classification (germline): Uncertain significance. Review status: criteria provided, multiple submitters, no conflicts (2 of 4 stars). 2 submissions from 2 submitters: Uncertain significance (2). Last evaluated 2025-11-18.

Conditions:
Hereditary cancer-predisposing syndrome. Also called: Neoplastic Syndromes, Hereditary; Tumor predisposition; Hereditary Cancer Syndrome; Hereditary neoplastic syndrome. Identifiers: Orphanet 140162, MedGen C0027672, MeSH D009386, MONDO:0015356.
Cardiovascular phenotype. Identifiers: MedGen CN230736.

Allele frequency attached by ClinVar (database versions not stated): gnomAD exomes below 0.00001.
gnomAD v4.1: 2 of 1,565,858 alleles (0.00013%); highest among the groups gnomAD compares: Non-Finnish European, 0.00017%; no homozygotes.

Submissions (2):

Labcorp Genetics (formerly Invitae), Labcorp
Classification: Uncertain significance. Last evaluated: 2025-11-18. Review status: criteria provided, single submitter. Criteria: Invitae Variant Classification Sherloc (09022015). Collection method: clinical testing. Allele origin: germline.
Comment: This sequence change replaces glycine, which is neutral and non-polar, with glutamic acid, which is acidic and polar, at codon 12 of the LZTR1 protein (p.Gly12Glu). This variant is not present in population databases (gnomAD no frequency). This variant has not been reported in the literature in individuals affected with LZTR1-related conditions. ClinVar contains an entry for this variant (Variation ID: 1733073). Invitae Evidence Modeling of protein sequence and biophysical properties (such as structural, functional, and spatial information, amino acid conservation, physicochemical variation, residue mobility, and thermodynamic stability) has been performed for this missense variant. However, the output from this modeling did not meet the statistical confidence thresholds required to predict the impact of this variant on LZTR1 protein function. In summary, the available evidence is currently insufficient to determine the role of this variant in disease. Therefore, it has been classified as a Variant of Uncertain Significance.

Ambry Genetics
Classification: Uncertain significance for Cardiovascular phenotype; Hereditary cancer-predisposing syndrome. Last evaluated: 2022-04-02. Review status: criteria provided, single submitter. Criteria: Ambry Variant Classification Scheme 2023. Collection method: clinical testing. Allele origin: germline.
Comment: The p.G12E variant (also known as c.35G>A), located in coding exon 1 of the LZTR1 gene, results from a G to A substitution at nucleotide position 35. The glycine at codon 12 is replaced by glutamic acid, an amino acid with similar properties. This amino acid position is conserved. In addition, this alteration is predicted to be tolerated by in silico analysis. Since supporting evidence is limited at this time, the clinical significance of this alteration remains unclear.